The following is an entry in ClinVar:

NM_000532.5(PCCB):c.1008T>G (p.Tyr336Ter)

Gene: PCCB (propionyl-CoA carboxylase subunit beta; plus strand). Cytogenetic location: 3q22.3.
Variant type: single nucleotide variant.
Coding change: c.1008T>G on transcript NM_000532.5 (MANE Select); coding-DNA position 1008, T replaced by G.
Protein change: p.Tyr336Ter; replaces tyrosine 336 with a stop codon.
Molecular consequence: nonsense.
Genome position (GRCh38, 1-based): chr3:136,316,982, T>G. VCF-style: chr3-136316982-T-G. GRCh37 (hg19) VCF-style: chr3-136035824-T-G.
Other names: c.1068T>G, p.Tyr356Ter (NM_001178014.2); short protein forms Y356*, Y336*.
Identifiers: ClinVar variation 2082259 (VCV002082259.4), dbSNP rs769437282, ClinGen allele CA354647268.

ClinVar aggregate classification (germline): Pathogenic (1 of 4 stars; one submission).

Conditions:
Propionic acidemia (PROP). Also called: GLYCINEMIA, KETOTIC; HYPERGLYCINEMIA WITH KETOACIDOSIS AND LEUKOPENIA; KETOTIC HYPERGLYCINEMIA. Identifiers: Orphanet 35, MedGen C0268579, MONDO:0011628, OMIM 606054, HP:0003571.

Submission:

Labcorp Genetics (formerly Invitae), Labcorp
Classification: Pathogenic for Propionic acidemia. Last evaluated: 2021-12-14. Review status: criteria provided, single submitter. Criteria: Invitae Variant Classification Sherloc (09022015). Collection method: clinical testing. Allele origin: germline.
Comment: For these reasons, this variant has been classified as Pathogenic. Algorithms developed to predict the effect of sequence changes on RNA splicing suggest that this variant may create or strengthen a splice site. This variant has not been reported in the literature in individuals affected with PCCB-related conditions. This variant is not present in population databases (gnomAD no frequency). This sequence change creates a premature translational stop signal (p.Tyr336*) in the PCCB gene. It is expected to result in an absent or disrupted protein product. Loss-of-function variants in PCCB are known to be pathogenic (PMID: 15464417).

Literature cited by the submitters: PubMed 15464417.